The following is an entry in ClinVar:

NM_025152.3(NUBPL):c.607+3A>G

Gene: NUBPL (NUBP iron-sulfur cluster assembly factor, mitochondrial; plus strand). Cytogenetic location: 14q12.
Variant type: single nucleotide variant.
Coding change: c.607+3A>G on transcript NM_025152.3 (MANE Select); 3 bases into the intron after coding-DNA position 607, A replaced by G.
Molecular consequence: intron variant.
Genome position (GRCh38, 1-based): chr14:31,787,876, A>G. VCF-style: chr14-31787876-A-G. GRCh37 (hg19) VCF-style: chr14-32257082-A-G.
Other names: c.319+3A>G (NM_001201573.2); c.58+3A>G (NM_001201574.2).
Identifiers: ClinVar variation 1468452 (VCV001468452.6), dbSNP rs752544093, ClinGen allele CA7147909.

ClinVar aggregate classification (germline): Uncertain significance (1 of 4 stars; one submission).

Allele frequency attached by ClinVar (database versions not stated): TOPMed 0.00001.

Submission:

Labcorp Genetics (formerly Invitae), Labcorp
Classification: Uncertain significance. Last evaluated: 2022-08-23. Review status: criteria provided, single submitter. Criteria: Invitae Variant Classification Sherloc (09022015). Collection method: clinical testing. Allele origin: germline.
Comment: In summary, the available evidence is currently insufficient to determine the role of this variant in disease. Therefore, it has been classified as a Variant of Uncertain Significance. Variants that disrupt the consensus splice site are a relatively common cause of aberrant splicing (PMID: 17576681, 9536098). Algorithms developed to predict the effect of sequence changes on RNA splicing suggest that this variant may disrupt the consensus splice site. This sequence change falls in intron 7 of the NUBPL gene. It does not directly change the encoded amino acid sequence of the NUBPL protein. It affects a nucleotide within the consensus splice site. This variant is present in population databases (rs752544093, gnomAD 0.01%). This variant has not been reported in the literature in individuals affected with NUBPL-related conditions. ClinVar contains an entry for this variant (Variation ID: 1468452).

Literature cited by the submitters: PubMed 17576681; PubMed 9536098.